The following is an entry in ClinVar:

NM_153240.5(NPHP3):c.2395T>C (p.Leu799=)

Genes: NPHP3 (nephrocystin 3; minus strand), NPHP3-ACAD11 (NPHP3-ACAD11 readthrough (NMD candidate); minus strand). Cytogenetic location: 3q22.1.
Variant type: single nucleotide variant.
Coding change: c.2395T>C on transcript NM_153240.5 (MANE Select); coding-DNA position 2395, T replaced by C.
Protein change: p.Leu799=; no amino-acid change (leucine 799 retained).
Molecular consequence: synonymous variant. On other transcripts: non-coding transcript variant (1).
Genome position (GRCh38, 1-based): chr3:132,692,734, A>G on the plus strand (T>C on the coding strand, the complement: NPHP3 is on the minus strand). VCF-style: chr3-132692734-A-G. GRCh37 (hg19) VCF-style: chr3-132411578-A-G.
Other names: c.2395T>C (NM_153240.4).
Identifiers: ClinVar variation 1140860 (VCV001140860.12), dbSNP rs201015677, ClinGen allele CA2622027.

ClinVar aggregate classification (germline): Likely benign. Review status: criteria provided, multiple submitters, no conflicts (2 of 4 stars). 4 submissions from 4 submitters: Likely benign (4). Last evaluated 2026-01-05.

Conditions:
NPHP3-related disorder. Also called: NPHP3-related disorders; NPHP3-related condition. Identifiers: MedGen CN379163.
Nephronophthisis. Also called: Juvenile Nephronophthisis. Identifiers: Orphanet 655, MedGen C0687120, MONDO:0019005, HP:0000090.
NPHP3-related Meckel-like syndrome. Also called: GOLDSTON SYNDROME; Meckel syndrome type 7. Identifiers: Orphanet 3032, MedGen C2673885, MONDO:0009966, OMIM 267010.
Nephronophthisis 3 (NPHP3). Also called: Adolescent nephronophthisis. Identifiers: Orphanet 655, MedGen C1858392, MONDO:0011456, OMIM 604387.
Renal-hepatic-pancreatic dysplasia 1 (RHPD1). Identifiers: MedGen C3715199, MONDO:0008833, OMIM 208540.

Allele frequency attached by ClinVar (database versions not stated): gnomAD exomes 0.00001 and 0.00004; ExAC 0.00004; ESP Exome Variant Server 0.00008; gnomAD 0.00013 and 0.00015; 1000 Genomes Project 30x 0.00016; 1000 Genomes Project 0.00020; TOPMed 0.00020.
gnomAD v4.1: 41 of 1,614,082 alleles (0.0025%); highest among the groups gnomAD compares: African/African-American, 0.039%; no homozygotes.

Submissions (4):

Labcorp Genetics (formerly Invitae), Labcorp
Classification: Likely benign for Nephronophthisis. Last evaluated: 2026-01-05. Review status: criteria provided, single submitter. Criteria: Invitae Variant Classification Sherloc (09022015). Collection method: clinical testing. Allele origin: germline.

PreventionGenetics, part of Exact Sciences
Classification: Likely benign for NPHP3-related condition. Last evaluated: 2025-02-11. Review status: criteria provided, single submitter. Criteria: ACMG Guidelines, 2015. Collection method: clinical testing. Allele origin: germline.
Comment: This variant is classified as likely benign based on ACMG/AMP sequence variant interpretation guidelines (Richards et al. 2015 PMID: 25741868, with internal and published modifications).

Blueprint Genetics
Classification: Likely benign. Last evaluated: 2024-06-20. Review status: criteria provided, single submitter. Criteria: ACMG Guidelines, 2015. Collection method: clinical testing. Allele origin: germline.

Fulgent Genetics
Classification: Likely benign for Renal-hepatic-pancreatic dysplasia 1; NPHP3-related Meckel-like syndrome; Nephronophthisis 3. Last evaluated: 2022-03-30. Review status: criteria provided, single submitter. Criteria: ACMG Guidelines, 2015. Collection method: clinical testing. Allele origin: unknown.